The following is an entry in ClinVar:

ClinVar aggregate classification (germline): Likely pathogenic (1 of 4 stars; one submission).

Conditions:
Nemaline myopathy 2 (NEM2). Also called: Nemaline myopathy 2, autosomal recessive. Identifiers: MedGen C1850569, MONDO:0009725, OMIM 256030.

Submission:

Myriad Genetics, Inc.
Classification: Likely pathogenic for Nemaline myopathy 2. Last evaluated: 2022-03-15. Review status: criteria provided, single submitter. Criteria: Myriad Women's Health Autosomal Recessive and X-Linked Classification Criteria (2021). Collection method: clinical testing. Allele origin: unknown.
Comment: NM_001271208.1(NEB):c.23607_23608delTC(Q7870Rfs*21) is expected to be pathogenic in the context of NEB-related nemaline myopathy. This variant is predicted to lead to an abnormal or absent protein product due to the creation of a premature termination codon in NEB, a gene where loss-of-function variants are known to be pathogenic. Please note: this variant was assessed in the context of healthy population screening.

NM_001164508.2(NEB):c.23502_23503del (p.Gln7835fs)

Genes: NEB (nebulin; minus strand), RIF1 (replication timing regulatory factor 1; plus strand). Cytogenetic location: 2q23.3.
Variant type: Deletion.
Coding change: c.23502_23503del on transcript NM_001164508.2 (MANE Select); coding-DNA positions 23502 to 23503, 2 bases deleted (TC; older notation c.23502_23503delTC).
Protein change: p.Gln7835fs; shifts the reading frame from glutamine 7835.
Molecular consequence: frameshift variant.
Genome position (GRCh38, 1-based): chr2:151,506,962-151,506,963, GA deleted on the plus strand (TC on the coding strand, the reverse complement: NEB is on the minus strand). VCF-style (leftmost placement, unchanged base first): chr2-151506961-TGA-T. GRCh37 (hg19) VCF-style: chr2-152363475-TGA-T.
Other names: c.23502_23503del, p.Gln7835fs (NM_001164507.2); c.23607_23608del, p.Gln7870fs (NM_001271208.2); c.18399_18400del, p.Gln6134fs (NM_004543.5); short protein forms Q6134fs, Q7835fs, Q7870fs.
Identifiers: ClinVar variation 1725243 (VCV001725243.2), dbSNP rs2552009393, ClinGen allele CA2580063895.